The following is an entry in ClinVar:

ClinVar aggregate classification (germline): Uncertain significance. Review status: criteria provided, multiple submitters, no conflicts (2 of 4 stars). 2 submissions from 2 submitters: Uncertain significance (2). Last evaluated 2023-08-04.

Conditions:
Hereditary cancer-predisposing syndrome. Also called: Hereditary neoplastic syndrome; Tumor predisposition; Neoplastic Syndromes, Hereditary; Hereditary Cancer Syndrome. Identifiers: Orphanet 140162, MedGen C0027672, MeSH D009386, MONDO:0015356.

Allele frequency attached by ClinVar (database versions not stated): gnomAD exomes below 0.00001; ExAC 0.00001.
gnomAD v4.1: 9 of 1,613,784 alleles (0.00056%); highest among the groups gnomAD compares: Non-Finnish European, 0.00076%; no homozygotes.

Submissions (2):

Labcorp Genetics (formerly Invitae), Labcorp
Classification: Uncertain significance for Hereditary cancer-predisposing syndrome. Last evaluated: 2023-08-04. Review status: criteria provided, single submitter. Criteria: Invitae Variant Classification Sherloc (09022015). Collection method: clinical testing. Allele origin: germline.
Comment: This sequence change replaces glutamine, which is neutral and polar, with proline, which is neutral and non-polar, at codon 466 of the RAD50 protein (p.Gln466Pro). This variant is present in population databases (rs752489625, gnomAD 0.0009%). This variant has not been reported in the literature in individuals affected with RAD50-related conditions. ClinVar contains an entry for this variant (Variation ID: 655439). Advanced modeling of protein sequence and biophysical properties (such as structural, functional, and spatial information, amino acid conservation, physicochemical variation, residue mobility, and thermodynamic stability) performed at Invitae indicates that this missense variant is expected to disrupt RAD50 protein function. In summary, the available evidence is currently insufficient to determine the role of this variant in disease. Therefore, it has been classified as a Variant of Uncertain Significance.

Ambry Genetics
Classification: Uncertain significance for Hereditary cancer-predisposing syndrome. Last evaluated: 2019-11-15. Review status: criteria provided, single submitter. Criteria: Ambry Variant Classification Scheme 2023. Collection method: clinical testing. Allele origin: germline.
Comment: The p.Q466P variant (also known as c.1397A>C), located in coding exon 9 of the RAD50 gene, results from an A to C substitution at nucleotide position 1397. The glutamine at codon 466 is replaced by proline, an amino acid with similar properties. This amino acid position is not well conserved in available vertebrate species. In addition, this alteration is predicted to be tolerated by in silico analysis. Since supporting evidence is limited at this time, the clinical significance of this alteration remains unclear.

NM_005732.4(RAD50):c.1397A>C (p.Gln466Pro)

Gene: RAD50 (RAD50 double strand break repair protein; plus strand). Cytogenetic location: 5q31.1.
Variant type: single nucleotide variant.
Coding change: c.1397A>C on transcript NM_005732.4 (MANE Select); coding-DNA position 1397, A replaced by C.
Protein change: p.Gln466Pro; replaces glutamine 466 with proline.
Molecular consequence: missense variant.
Genome position (GRCh38, 1-based): chr5:132,589,782, A>C. VCF-style: chr5-132589782-A-C. GRCh37 (hg19) VCF-style: chr5-131925474-A-C.
Other names: short protein forms Q466P.
Identifiers: ClinVar variation 655439 (VCV000655439.9), dbSNP rs752489625, ClinGen allele CA3405164.